The following is an entry in ClinVar:

ClinVar aggregate classification (germline): Uncertain significance. Review status: criteria provided, single submitter (1 of 4 stars). 2 submissions from 2 submitters: Uncertain significance (1). 1 of the submissions does not count toward it. Last evaluated 2023-12-11.

Conditions:
Autosomal dominant nonsyndromic hearing loss 65. Also called: Deafness, autosomal dominant 65; TBC1D24-Related Autosomal Dominant Nonsyndromic Hearing Loss (DFNA). Identifiers: Orphanet 90635, MedGen C3892048, MONDO:0014470, OMIM 616044.
Developmental and epileptic encephalopathy, 1 (DEE1). Also called: Tonic spasms with clustering, arrest of psychomotor development and hypsarrhythmia on EEG; X-Linked Infantile Spasm Syndrome; X-linked infantile spasms; West's syndrome; Epileptic encephalopathy, early infantile, 1; OHTAHARA SYNDROME, X-LINKED. Identifiers: MedGen C3463992, MONDO:0010632, OMIM 308350. Disease mechanism: loss of function.
Developmental and epileptic encephalopathy, 16 (DEE16). Also called: Early infantile epileptic encephalopathy 16; TBC1D24-Related Developmental and Epileptic Encephalopathy (DEE). Identifiers: Orphanet 293181, Orphanet 352596, MedGen C3809173, MONDO:0014133, OMIM 615338.

Submissions (2):

Labcorp Genetics (formerly Invitae), Labcorp
Classification: Uncertain significance for Developmental and epileptic encephalopathy, 1; Autosomal dominant nonsyndromic hearing loss 65. Last evaluated: 2023-12-11. Review status: criteria provided, single submitter. Criteria: Invitae Variant Classification Sherloc (09022015). Collection method: clinical testing. Allele origin: germline.
Comment: This sequence change replaces proline, which is neutral and non-polar, with leucine, which is neutral and non-polar, at codon 366 of the TBC1D24 protein (p.Pro366Leu). This variant is not present in population databases (gnomAD no frequency). This variant has not been reported in the literature in individuals affected with TBC1D24-related conditions. ClinVar contains an entry for this variant (Variation ID: 1061249). Advanced modeling of protein sequence and biophysical properties (such as structural, functional, and spatial information, amino acid conservation, physicochemical variation, residue mobility, and thermodynamic stability) performed at Invitae indicates that this missense variant is not expected to disrupt TBC1D24 protein function with a negative predictive value of 80%. In summary, the available evidence is currently insufficient to determine the role of this variant in disease. Therefore, it has been classified as a Variant of Uncertain Significance.

Hong-Tao Li Lab, Institute of Brain Science and Brain-inspired Research, Shandong First Medical University & Shandong Academy of Medical Sciences China
Classification: Uncertain significance for Developmental and epileptic encephalopathy, 16. Review status: no assertion criteria provided. Collection method: research. Allele origin: germline. Inheritance: Autosomal recessive inheritance. Affected: yes. Observed: 1 variant allele, 1 homozygote. Not counted in ClinVar's aggregate classification.
Comment: Observed in affected individuals from a Pakistani neurodevelopmental-disorder research cohort of 263 individuals. Classification assigned using the ACMG/AMP framework.

NM_001199107.2(TBC1D24):c.1097C>T (p.Pro366Leu)

Gene: TBC1D24 (TBC1 domain family member 24; plus strand). Cytogenetic location: 16p13.3.
Variant type: single nucleotide variant.
Coding change: c.1097C>T on transcript NM_001199107.2 (MANE Select); coding-DNA position 1097, C replaced by T.
Protein change: p.Pro366Leu; replaces proline 366 with leucine.
Molecular consequence: missense variant.
Genome position (GRCh38, 1-based): chr16:2,498,351, C>T. VCF-style: chr16-2498351-C-T. GRCh37 (hg19) VCF-style: chr16-2548352-C-T.
Other names: c.1079C>T, p.Pro360Leu (NM_020705.3); short protein forms P360L, P366L.
Identifiers: ClinVar variation 1061249 (VCV001061249.10), dbSNP rs2141874400, ClinGen allele CA394378898.
Genomic context (GRCh38, chr16:2,498,351, plus strand): 5'-GCGTGAGGGAGATGAGAGACATCTGGTCCTGGGTCCCCGAGCGCTTTGCCCTGTGCCAGC[C>T]CCTTCTGCTGTTCTCCTCCCTGCAGCACGGGTACAGCCTGGCCAGGTAACACCCCAAGGG-3'
Protein context (NP_001186036.1, residues 356-376): WVPERFALCQ[Pro366Leu]LLLFSSLQHG